The following is an entry in ClinVar:

ClinVar aggregate classification (germline): Conflicting classifications of pathogenicity. Review status: criteria provided, conflicting classifications (1 of 4 stars). 3 submissions from 3 submitters: Uncertain significance (1); Likely benign (2). Last evaluated 2026-01-12.

Allele frequency attached by ClinVar (database versions not stated): ESP Exome Variant Server 0.00008; 1000 Genomes Project 0.00020; 1000 Genomes Project 30x 0.00031.
gnomAD v4.1: 97 of 1,614,010 alleles (0.006%); highest among the groups gnomAD compares: Admixed American, 0.042%; no homozygotes.

Submissions (3):

Labcorp Genetics (formerly Invitae), Labcorp
Classification: Uncertain significance. Last evaluated: 2026-01-12. Review status: criteria provided, single submitter. Criteria: Invitae Variant Classification Sherloc (09022015). Collection method: clinical testing. Allele origin: germline.
Comment: This sequence change affects codon 226 of the MTMR14 mRNA. It is a 'silent' change, meaning that it does not change the encoded amino acid sequence of the MTMR14 protein. It affects a nucleotide within the consensus splice site. This variant is present in population databases (rs199688667, gnomAD 0.03%). This variant has not been reported in the literature in individuals affected with MTMR14-related conditions. ClinVar contains an entry for this variant (Variation ID: 1398038). Algorithms developed to predict the effect of sequence changes on RNA splicing suggest that this variant is not likely to affect RNA splicing. In summary, the available evidence is currently insufficient to determine the role of this variant in disease. Therefore, it has been classified as a Variant of Uncertain Significance.

Ambry Genetics
Classification: Likely benign. Last evaluated: 2025-03-20. Review status: criteria provided, single submitter. Criteria: Ambry Variant Classification Scheme 2023. Collection method: clinical testing. Allele origin: germline.

CeGaT Center for Human Genetics Tuebingen
Classification: Likely benign. Last evaluated: 2024-10-01. Review status: criteria provided, single submitter. Criteria: CeGaT Center For Human Genetics Tuebingen Variant Classification Criteria Version 2. Collection method: clinical testing. Allele origin: germline. Affected: yes. Observed: 1 variant allele.
Comment: MTMR14: BP4, BP7

NM_001077525.3(MTMR14):c.678T>C (p.Asn226=)

Gene: MTMR14 (myotubularin related protein 14; plus strand). Cytogenetic location: 3p25.3.
Variant type: single nucleotide variant.
Coding change: c.678T>C on transcript NM_001077525.3 (MANE Select); coding-DNA position 678, T replaced by C.
Protein change: p.Asn226=; no amino-acid change (asparagine 226 retained).
Molecular consequence: synonymous variant.
Genome position (GRCh38, 1-based): chr3:9,672,685, T>C. VCF-style: chr3-9672685-T-C. GRCh37 (hg19) VCF-style: chr3-9714369-T-C.
Other names: c.678T>C (NM_022485.4); c.678T>C, p.Asn226= (NM_001077526.3, NM_022485.5).
Identifiers: ClinVar variation 1398038 (VCV001398038.21), dbSNP rs199688667, ClinGen allele CA2240410.